The following is an entry in ClinVar:

NM_005002.5(NDUFA9):c.266A>G (p.Tyr89Cys)

Gene: NDUFA9 (NADH:ubiquinone oxidoreductase subunit A9; plus strand). Cytogenetic location: 12p13.32.
Variant type: single nucleotide variant.
Coding change: c.266A>G on transcript NM_005002.5 (MANE Select); coding-DNA position 266, A replaced by G.
Protein change: p.Tyr89Cys; replaces tyrosine 89 with cysteine.
Molecular consequence: missense variant.
Genome position (GRCh38, 1-based): chr12:4,654,870, A>G. VCF-style: chr12-4654870-A-G. GRCh37 (hg19) VCF-style: chr12-4764036-A-G.
Other names: short protein forms Y89C.
Identifiers: ClinVar variation 1334652 (VCV001334652.4), dbSNP rs1401024490, ClinGen allele CA383448973.

ClinVar aggregate classification (germline): Uncertain significance (1 of 4 stars; one submission).

Allele frequency attached by ClinVar (database versions not stated): gnomAD exomes below 0.00001; TOPMed below 0.00001.
gnomAD v4.1: 2 of 1,614,030 alleles (0.00012%); highest among the groups gnomAD compares: Non-Finnish European, 0.00017%; no homozygotes.

Submission:

Greenwood Genetic Center Diagnostic Laboratories, Greenwood Genetic Center
Classification: Uncertain significance. Last evaluated: 2021-11-08. Review status: criteria provided, single submitter. Criteria: ACMG Guidelines, 2015. Collection method: clinical testing. Allele origin: germline. Affected: yes.
Comment: PP3, PM2